The following is an entry in ClinVar:

ClinVar aggregate classification (germline): Uncertain significance (1 of 4 stars; one submission).

Conditions:
Neurofibromatosis, type 1 (NF1). Also called: VON RECKLINGHAUSEN DISEASE; Peripheral type neurofibromatosis; Neurofibromatosis, type I; NEUROFIBROMATOSIS, TYPE I, SOMATIC. Identifiers: Orphanet 636, MedGen C0027831, MONDO:0018975, OMIM 162200. Disease mechanism: loss of function.

Submission:

Labcorp Genetics (formerly Invitae), Labcorp
Classification: Uncertain significance for Neurofibromatosis, type 1. Last evaluated: 2022-12-03. Review status: criteria provided, single submitter. Criteria: Invitae Variant Classification Sherloc (09022015). Collection method: clinical testing. Allele origin: germline.
Comment: Algorithms developed to predict the effect of missense changes on protein structure and function (SIFT, PolyPhen-2, Align-GVGD) all suggest that this variant is likely to be tolerated. In summary, the available evidence is currently insufficient to determine the role of this variant in disease. Therefore, it has been classified as a Variant of Uncertain Significance. This sequence change replaces alanine, which is neutral and non-polar, with threonine, which is neutral and polar, at codon 2 of the NF1 protein (p.Ala2Thr). This variant is not present in population databases (gnomAD no frequency). This variant has not been reported in the literature in individuals affected with NF1-related conditions.

NM_001042492.3(NF1):c.4G>A (p.Ala2Thr)

Genes: MIR4733HG (MIR4733 host gene; minus strand), NF1 (neurofibromin 1; plus strand), LOC111811965 (NF1 (neurofibromin 1) promoter region; plus strand). Cytogenetic location: 17q11.2.
Variant type: single nucleotide variant.
Coding change: c.4G>A on transcript NM_001042492.3 (MANE Select); coding-DNA position 4, G replaced by A.
Protein change: p.Ala2Thr; replaces alanine 2 with threonine.
Molecular consequence: missense variant. On other transcripts: non-coding transcript variant (1).
Genome position (GRCh38, 1-based): chr17:31,095,313, G>A. VCF-style: chr17-31095313-G-A. GRCh37 (hg19) VCF-style: chr17-29422331-G-A.
Other names: c.4G>A, p.Ala2Thr (NM_000267.4, NM_001128147.3); short protein forms A2T.
Identifiers: ClinVar variation 2818274 (VCV002818274.3), dbSNP rs2143144232, ClinGen allele CA398979159.